The following is an entry in ClinVar:

NM_001849.4(COL6A2):c.2626C>T (p.Arg876Cys)

Gene: COL6A2 (collagen type VI alpha 2 chain; plus strand). Cytogenetic location: 21q22.3.
Variant type: single nucleotide variant.
Coding change: c.2626C>T on transcript NM_001849.4 (MANE Select); coding-DNA position 2626, C replaced by T.
Protein change: p.Arg876Cys; replaces arginine 876 with cysteine.
Molecular consequence: missense variant.
Genome position (GRCh38, 1-based): chr21:46,132,118, C>T. VCF-style: chr21-46132118-C-T. GRCh37 (hg19) VCF-style: chr21-47552032-C-T.
Other names: c.2626C>T (NM_001849.3); short protein forms R876C.
Identifiers: ClinVar variation 289585 (VCV000289585.30), dbSNP rs387906608, ClinGen allele CA10072955.

ClinVar aggregate classification (germline): Uncertain significance. Review status: criteria provided, multiple submitters, no conflicts (2 of 4 stars). 3 submissions from 3 submitters: Uncertain significance (3). Last evaluated 2024-01-18.

Allele frequency attached by ClinVar (database versions not stated): ExAC 0.00002; TOPMed 0.00002.
gnomAD v4.1: 31 of 1,583,324 alleles (0.002%); highest among the groups gnomAD compares: South Asian, 0.01%; no homozygotes.

Submissions (3):

GeneDx
Classification: Uncertain significance. Last evaluated: 2024-01-18. Review status: criteria provided, single submitter. Criteria: GeneDx Variant Classification Process June 2021. Collection method: clinical testing. Allele origin: germline. Affected: yes.
Comment: Reported in an individual with ocular findings, spasticity, global developmental delay, and dysmorphic features who also had a de novo pathogenic variant in another gene that contributed to the phenotype (PMID: 35937981); In silico analysis supports that this missense variant has a deleterious effect on protein structure/function; This variant is associated with the following publications: (PMID: 35937981)

CeGaT Center for Human Genetics Tuebingen
Classification: Uncertain significance. Last evaluated: 2022-03-01. Review status: criteria provided, single submitter. Criteria: CeGaT Center For Human Genetics Tuebingen Variant Classification Criteria Version 2. Collection method: clinical testing. Allele origin: germline. Affected: yes. Observed: 1 variant allele.
Comment: COL6A2: PP3

Eurofins Ntd Llc (ga)
Classification: Uncertain significance. Last evaluated: 2016-07-25. Review status: criteria provided, single submitter. Criteria: EGL Classification Definitions 2015. Collection method: clinical testing. Allele origin: germline. Observed: 1 variant allele, 1 heterozygote.